The following is an entry in ClinVar:

NM_032776.3(JMJD1C):c.5C>T (p.Ala2Val)

Genes: JMJD1C (jumonji domain containing 1C; minus strand), JMJD1C-AS1 (JMJD1C antisense RNA 1; plus strand). Cytogenetic location: 10q21.3.
Variant type: single nucleotide variant.
Coding change: c.5C>T on transcript NM_032776.3 (MANE Select); coding-DNA position 5, C replaced by T.
Protein change: p.Ala2Val; replaces alanine 2 with valine.
Molecular consequence: missense variant. On other transcripts: non-coding transcript variant (1), intron variant (2).
Genome position (GRCh38, 1-based): chr10:63,465,658, G>A on the plus strand (C>T on the coding strand, the complement: JMJD1C is on the minus strand). VCF-style: chr10-63465658-G-A. GRCh37 (hg19) VCF-style: chr10-65225418-G-A.
Other names: c.5C>T, p.Ala2Val (NM_001322252.2); c.-384+56080C>T (NM_001322258.2); c.-379+56080C>T (NM_001318154.2); c.5C>T (NM_032776.1); short protein forms A2V.
Identifiers: ClinVar variation 1023568 (VCV001023568.10), dbSNP rs542090671, ClinGen allele CA5519250.

ClinVar aggregate classification (germline): Uncertain significance. Review status: criteria provided, multiple submitters, no conflicts (2 of 4 stars). 2 submissions from 2 submitters: Uncertain significance (2). Last evaluated 2021-10-20.

Conditions:
Early Myoclonic Encephalopathy. Identifiers: MedGen C0270855.

Allele frequency attached by ClinVar (database versions not stated): gnomAD exomes 0.00001; 1000 Genomes Project 0.00020; ExAC 0.00001; TOPMed 0.00002; gnomAD 0.00001; 1000 Genomes Project 30x 0.00016.
gnomAD v4.1: 14 of 1,608,664 alleles (0.00087%); highest among the groups gnomAD compares: African/African-American, 0.0013%; no homozygotes.

Submissions (2):

Ambry Genetics
Classification: Uncertain significance. Last evaluated: 2021-10-20. Review status: criteria provided, single submitter. Criteria: Ambry Variant Classification Scheme 2023. Collection method: clinical testing. Allele origin: germline.

Labcorp Genetics (formerly Invitae), Labcorp
Classification: Uncertain significance for Early Myoclonic Encephalopathy. Last evaluated: 2020-07-26. Review status: criteria provided, single submitter. Criteria: Invitae Variant Classification Sherloc (09022015). Collection method: clinical testing. Allele origin: germline.
Comment: Algorithms developed to predict the effect of missense changes on protein structure and function are either unavailable or do not agree on the potential impact of this missense change (SIFT: "Deleterious"; PolyPhen-2: "Benign"; Align-GVGD: "Class C0"). In summary, the available evidence is currently insufficient to determine the role of this variant in disease. Therefore, it has been classified as a Variant of Uncertain Significance. This variant has not been reported in the literature in individuals with JMJD1C-related conditions. This variant is present in population databases (rs542090671, ExAC 0.01%). This sequence change replaces alanine with valine at codon 2 of the JMJD1C protein (p.Ala2Val). The alanine residue is weakly conserved and there is a small physicochemical difference between alanine and valine.